The following is an entry in ClinVar:

NM_152316.3(ARL14EP):c.653G>A (p.Gly218Glu)

Gene: ARL14EP (ARF like GTPase 14 effector protein; plus strand). Cytogenetic location: 11p14.1.
Variant type: single nucleotide variant.
Coding change: c.653G>A on transcript NM_152316.3 (MANE Select); coding-DNA position 653, G replaced by A.
Protein change: p.Gly218Glu; replaces glycine 218 with glutamic acid.
Molecular consequence: missense variant.
Genome position (GRCh38, 1-based): chr11:30,336,665, G>A. VCF-style: chr11-30336665-G-A. GRCh37 (hg19) VCF-style: chr11-30358212-G-A.
Other names: short protein forms G218E.
Identifiers: ClinVar variation 183284 (VCV000183284.1), dbSNP rs730882201, ClinGen allele CA236383.

ClinVar aggregate classification (germline): Likely pathogenic. Review status: criteria provided, single submitter (1 of 4 stars). 2 submissions from 1 submitter: Likely pathogenic (1). 1 of the submissions does not count toward it.

Conditions:
Global developmental delay (DD). Also called: Cognitive delay. Identifiers: MedGen C0557874, HP:0001263. Disease mechanism: loss of function.
Abnormal facial shape. Also called: Dysmorphic facies; Dysmorphic facial features. Identifiers: MedGen C0424503, HP:0001999.
Truncal obesity. Identifiers: MedGen C4551560, HP:0001956.
Microcephaly. Also called: Microcephaly (disease). Identifiers: MedGen C4551563, MONDO:0001149, HP:0000252.

Submissions (2):

Genomic Medicine Center of Excellence, King Faisal Specialist Hospital and Research Centre
Classification: Likely pathogenic. Review status: criteria provided, single submitter. Criteria: ACMG Guidelines, 2015. Collection method: research. Allele origin: germline. Affected: yes.

Genomic Medicine Center of Excellence, King Faisal Specialist Hospital and Research Centre
Classification: Likely pathogenic for Global developmental delay; Microcephaly; Truncal obesity; Dysmorphic facies. Last evaluated: 2014-12-01. Review status: flagged submission. Criteria: research. Collection method: research. Allele origin: germline. Affected: yes. Not counted in ClinVar's aggregate classification.
ClinVar note: Reason: This record appears to be redundant with a more recent record from the same submitter.
ClinVar note: Notes: SCV000196390 appears to be redundant with SCV000221659.

Literature cited by the submitters: PubMed 25558065.